The following is an entry in ClinVar:

NM_018082.6(POLR3B):c.3035T>C (p.Leu1012Pro)

Genes: POLR3B (RNA polymerase III subunit B; plus strand), RFX4-AS1 (RFX4 antisense RNA 1; minus strand). Cytogenetic location: 12q23.3.
Variant type: single nucleotide variant.
Coding change: c.3035T>C on transcript NM_018082.6 (MANE Select); coding-DNA position 3035, T replaced by C.
Protein change: p.Leu1012Pro; replaces leucine 1012 with proline.
Molecular consequence: missense variant.
Genome position (GRCh38, 1-based): chr12:106,501,373, T>C. VCF-style: chr12-106501373-T-C. GRCh37 (hg19) VCF-style: chr12-106895151-T-C.
Other names: NM_018082.6(POLR3B):c.3035T>C; p.Leu1012Pro; c.2861T>C, p.Leu954Pro (NM_001160708.2); short protein forms L1012P, L954P.
Identifiers: ClinVar variation 1184088 (VCV001184088.4), dbSNP rs749670593, ClinGen allele CA6762390.

ClinVar aggregate classification (germline): Uncertain significance. Review status: criteria provided, single submitter (1 of 4 stars). 2 submissions from 2 submitters: Uncertain significance (1). 1 of the submissions does not count toward it. Last evaluated 2022-02-28.

Conditions:
Leukodystrophy, hypomyelinating, 8, with or without oligodontia and/or hypogonadotropic hypogonadism. Also called: LEUKODYSTROPHY, HYPOMYELINATING, 8, WITH HYPODONTIA AND HYPOGONADOTROPIC HYPOGONADISM; Hypomyelinating leukodystrophy 8 with or without oligodontia and-or hypogonadotropic hypogonadism; Endosteal sclerosis-cerebellar hypoplasia syndrome. Identifiers: Orphanet 85186, Orphanet 88637, MedGen C3280644, MONDO:0013722, OMIM 614381.

Allele frequency attached by ClinVar (database versions not stated): ExAC 0.00002; gnomAD exomes 0.00001.
gnomAD v4.1: 4 of 1,613,964 alleles (0.00025%); highest among the groups gnomAD compares: Non-Finnish European, 0.00034%; no homozygotes.

Submissions (2):

Broad Center for Mendelian Genomics, Broad Institute of MIT and Harvard
Classification: Uncertain significance for Leukodystrophy, hypomyelinating, 8, with or without oligodontia and/or hypogonadotropic hypogonadism. Last evaluated: 2022-02-28. Review status: criteria provided, single submitter. Criteria: ACMG Guidelines, 2015. Collection method: curation. Allele origin: germline. Inheritance: Autosomal recessive inheritance.
Comment: The p.Leu1012Pro variant in POLR3B has been reported in 1 individual in the compound heterozygous state with 4H leukodystrophy (PMID: 25339210) and has been identified in 0.003% (3/113046) of European (non-Finnish) chromosomes by the Genome Aggregation Database (gnomAD; dbSNP ID: rs749670593). Although this variant has been seen in the general population in a heterozygous state, its frequency is low enough to be consistent with a recessive carrier frequency. This variant has also been reported in ClinVar (Variation ID#: 1184088) and has been interpreted as pathogenic by GeneReviews. Computational prediction tools and conservation analyses suggest that this variant may impact the protein, though this information is not predictive enough to determine pathogenicity. The number of missense variants reported in POLR3B in the general population is lower than expected, suggesting there is little benign variation in this gene and slightly increasing the possibility that a missense variant in this gene may not be tolerated. In summary, the clinical significance of the p.Tyr1003Cys variant is uncertain. ACMG/AMP Criteria applied: PP3, PP2, PM2_supporting, PM3_supporting (Richards 2015).

GeneReviews
No classification provided. Condition: Leukodystrophy, hypomyelinating, 8, with or without oligodontia and/or hypogonadotropic hypogonadism. Review status: no classification provided. Collection method: literature only. Allele origin: germline. Not counted in ClinVar's aggregate classification.

Literature cited by the submitters: PubMed 25339210 (cited by GeneReviews); PubMed 22855961 (cited by GeneReviews).